The following is an entry in ClinVar:

NM_003054.6(SLC18A2):c.670G>A (p.Ala224Thr)

Gene: SLC18A2 (solute carrier family 18 member A2; plus strand). Cytogenetic location: 10q25.3.
Variant type: single nucleotide variant.
Coding change: c.670G>A on transcript NM_003054.6 (MANE Select); coding-DNA position 670, G replaced by A.
Protein change: p.Ala224Thr; replaces alanine 224 with threonine.
Molecular consequence: missense variant.
Genome position (GRCh38, 1-based): chr10:117,254,467, G>A. VCF-style: chr10-117254467-G-A. GRCh37 (hg19) VCF-style: chr10-119013978-G-A.
Other names: short protein forms A224T.
Identifiers: ClinVar variation 1510125 (VCV001510125.6), dbSNP rs145374366, ClinGen allele CA5710368.

ClinVar aggregate classification (germline): Uncertain significance (1 of 4 stars; one submission).

Allele frequency attached by ClinVar (database versions not stated): gnomAD exomes 0.00005 and 0.00008; ExAC 0.00013; ESP Exome Variant Server 0.00023; gnomAD 0.00032 and 0.00034; TOPMed 0.00037.
gnomAD v4.1: 119 of 1,609,188 alleles (0.0074%); highest among the groups gnomAD compares: African/African-American, 0.1%; no homozygotes.

Submission:

Labcorp Genetics (formerly Invitae), Labcorp
Classification: Uncertain significance. Last evaluated: 2021-08-23. Review status: criteria provided, single submitter. Criteria: Invitae Variant Classification Sherloc (09022015). Collection method: clinical testing. Allele origin: germline.
Comment: This sequence change replaces alanine with threonine at codon 224 of the SLC18A2 protein (p.Ala224Thr). The alanine residue is highly conserved and there is a small physicochemical difference between alanine and threonine. This variant is present in population databases (rs145374366, ExAC 0.1%). This variant has not been reported in the literature in individuals with SLC18A2-related disease. Algorithms developed to predict the effect of missense changes on protein structure and function do not agree on the potential impact of this missense change (SIFT: "Deleterious"; PolyPhen-2: "Benign"; Align-GVGD: "Class C55"). In summary, the available evidence is currently insufficient to determine the role of this variant in disease. Therefore, it has been classified as a Variant of Uncertain Significance.